The following is an entry in ClinVar:

NM_020812.4(DOCK6):c.1480+4C>T

Gene: DOCK6 (dedicator of cytokinesis 6; minus strand). Cytogenetic location: 19p13.2.
Variant type: single nucleotide variant.
Coding change: c.1480+4C>T on transcript NM_020812.4 (MANE Select); 4 bases into the intron after coding-DNA position 1480, C replaced by T.
Molecular consequence: intron variant.
Genome position (GRCh38, 1-based): chr19:11,243,055, G>A on the plus strand (C>T on the coding strand, the complement: DOCK6 is on the minus strand). VCF-style: chr19-11243055-G-A. GRCh37 (hg19) VCF-style: chr19-11353731-G-A.
Other names: c.1480+4C>T (NM_001367830.1).
Identifiers: ClinVar variation 795181 (VCV000795181.14), dbSNP rs576470754, ClinGen allele CA9208124.

ClinVar aggregate classification (germline): Likely benign. Review status: criteria provided, multiple submitters, no conflicts (2 of 4 stars). 3 submissions from 3 submitters: Likely benign (3). Last evaluated 2026-02-01.

Conditions:
DOCK6-related disorder. Also called: DOCK6-related condition.

Allele frequency attached by ClinVar (database versions not stated): TOPMed 0.00013; gnomAD 0.00019 and 0.00026; gnomAD exomes 0.00021 and 0.00035; ExAC 0.00037; 1000 Genomes Project 0.00060; 1000 Genomes Project 30x 0.00078.
gnomAD v4.1: 339 of 1,613,728 alleles (0.021%); highest among the groups gnomAD compares: South Asian, 0.21%; 4 homozygotes.

Submissions (3):

CeGaT Center for Human Genetics Tuebingen
Classification: Likely benign. Last evaluated: 2026-02-01. Review status: criteria provided, single submitter. Criteria: CeGaT Center For Human Genetics Tuebingen Variant Classification Criteria Version 2. Collection method: clinical testing. Allele origin: germline. Affected: yes. Observed: 1 variant allele.
Comment: DOCK6: BP4

Labcorp Genetics (formerly Invitae), Labcorp
Classification: Likely benign. Last evaluated: 2026-01-09. Review status: criteria provided, single submitter. Criteria: Invitae Variant Classification Sherloc (09022015). Collection method: clinical testing. Allele origin: germline.

PreventionGenetics, part of Exact Sciences
Classification: Likely benign for DOCK6-related condition. Last evaluated: 2025-06-30. Review status: criteria provided, single submitter. Criteria: ACMG Guidelines, 2015. Collection method: clinical testing. Allele origin: germline.
Comment: This variant is classified as likely benign based on ACMG/AMP sequence variant interpretation guidelines (Richards et al. 2015 PMID: 25741868, with internal and published modifications).